The following is an entry in ClinVar:

ClinVar aggregate classification (germline): Uncertain significance (1 of 4 stars; one submission).

Submission:

GeneDx
Classification: Uncertain significance. Last evaluated: 2023-08-07. Review status: criteria provided, single submitter. Criteria: GeneDx Variant Classification Process June 2021. Collection method: clinical testing. Allele origin: germline. Affected: yes.
Comment: Not observed at significant frequency in large population cohorts (gnomAD); In silico analysis supports that this missense variant does not alter protein structure/function; Has not been previously published as pathogenic or benign to our knowledge

NM_052867.4(NALCN):c.2036G>A (p.Arg679Lys)

Gene: NALCN (sodium leak channel, non-selective; minus strand). Cytogenetic location: 13q33.1.
Variant type: single nucleotide variant.
Coding change: c.2036G>A on transcript NM_052867.4 (MANE Select); coding-DNA position 2036, G replaced by A.
Protein change: p.Arg679Lys; replaces arginine 679 with lysine.
Molecular consequence: missense variant.
Genome position (GRCh38, 1-based): chr13:101,143,162, C>T on the plus strand (G>A on the coding strand, the complement: NALCN is on the minus strand). VCF-style: chr13-101143162-C-T. GRCh37 (hg19) VCF-style: chr13-101795513-C-T.
Other names: c.2036G>A, p.Arg679Lys (NM_001350748.2, NM_001350749.2); c.1949G>A, p.Arg650Lys (NM_001350750.2, NM_001350751.2); short protein forms R650K, R679K.
Identifiers: ClinVar variation 3361753 (VCV003361753.1).